The following is an entry in ClinVar:

NM_001376.5(DYNC1H1):c.634A>T (p.Met212Leu)

Gene: DYNC1H1 (dynein cytoplasmic 1 heavy chain 1; plus strand). Cytogenetic location: 14q32.31.
Variant type: single nucleotide variant.
Coding change: c.634A>T on transcript NM_001376.5 (MANE Select); coding-DNA position 634, A replaced by T.
Protein change: p.Met212Leu; replaces methionine 212 with leucine.
Molecular consequence: missense variant.
Genome position (GRCh38, 1-based): chr14:101,979,834, A>T. VCF-style: chr14-101979834-A-T. GRCh37 (hg19) VCF-style: chr14-102446171-A-T.
Other names: short protein forms M212L.
Identifiers: ClinVar variation 2762287 (VCV002762287.3), dbSNP rs138182529, ClinGen allele CA391008449.

ClinVar aggregate classification (germline): Uncertain significance (1 of 4 stars; one submission).

Conditions:
Charcot-Marie-Tooth disease axonal type 2O. Also called: Charcot-Marie-Tooth disease, axonal, type 20; Charcot-Marie-Tooth Neuropathy Type 2O; CHARCOT-MARIE-TOOTH NEUROPATHY, AXONAL, TYPE 2O; CHARCOT-MARIE-TOOTH DISEASE, AXONAL, AUTOSOMAL DOMINANT, TYPE 2O. Identifiers: Orphanet 284232, MedGen C3280220, MONDO:0013644, OMIM 614228.

Submission:

Labcorp Genetics (formerly Invitae), Labcorp
Classification: Uncertain significance for Charcot-Marie-Tooth disease axonal type 2O. Last evaluated: 2023-12-02. Review status: criteria provided, single submitter. Criteria: Invitae Variant Classification Sherloc (09022015). Collection method: clinical testing. Allele origin: germline.
Comment: This sequence change replaces methionine, which is neutral and non-polar, with leucine, which is neutral and non-polar, at codon 212 of the DYNC1H1 protein (p.Met212Leu). This variant is not present in population databases (gnomAD no frequency). This variant has not been reported in the literature in individuals affected with DYNC1H1-related conditions. Advanced modeling of protein sequence and biophysical properties (such as structural, functional, and spatial information, amino acid conservation, physicochemical variation, residue mobility, and thermodynamic stability) performed at Invitae indicates that this missense variant is not expected to disrupt DYNC1H1 protein function with a negative predictive value of 95%. In summary, the available evidence is currently insufficient to determine the role of this variant in disease. Therefore, it has been classified as a Variant of Uncertain Significance.